The following is an entry in ClinVar:

ClinVar aggregate classification (germline): Likely benign (1 of 4 stars; one submission).

Allele frequency attached by ClinVar (database versions not stated): 1000 Genomes Project 0.00080; 1000 Genomes Project 30x 0.00094; ESP Exome Variant Server 0.00119; TOPMed 0.00128; gnomAD 0.00143; ExAC 0.00180; gnomAD exomes 0.00197.

Submission:

CeGaT Center for Human Genetics Tuebingen
Classification: Likely benign. Last evaluated: 2023-03-01. Review status: criteria provided, single submitter. Criteria: CeGaT Center For Human Genetics Tuebingen Variant Classification Criteria Version 2. Collection method: clinical testing. Allele origin: germline. Affected: yes. Observed: 1 variant allele.
Comment: PSMB11: BP4, BS2

NM_001099780.2(PSMB11):c.344G>A (p.Arg115Gln)

Gene: PSMB11 (proteasome subunit beta 11; plus strand). Cytogenetic location: 14q11.2.
Variant type: single nucleotide variant.
Coding change: c.344G>A on transcript NM_001099780.2 (MANE Select); coding-DNA position 344, G replaced by A.
Protein change: p.Arg115Gln; replaces arginine 115 with glutamine.
Molecular consequence: missense variant.
Genome position (GRCh38, 1-based): chr14:23,042,569, G>A. VCF-style: chr14-23042569-G-A. GRCh37 (hg19) VCF-style: chr14-23511778-G-A.
Other names: short protein forms R115Q.
Identifiers: ClinVar variation 2644085 (VCV002644085.24), dbSNP rs202220440, ClinGen allele CA7108878.